The following is an entry in ClinVar:

NM_000081.4(LYST):c.4457A>C (p.Glu1486Ala)

Gene: LYST (lysosomal trafficking regulator; minus strand). Cytogenetic location: 1q42.3.
Variant type: single nucleotide variant.
Coding change: c.4457A>C on transcript NM_000081.4 (MANE Select); coding-DNA position 4457, A replaced by C.
Protein change: p.Glu1486Ala; replaces glutamic acid 1486 with alanine.
Molecular consequence: missense variant.
Genome position (GRCh38, 1-based): chr1:235,791,785, T>G on the plus strand (A>C on the coding strand, the complement: LYST is on the minus strand). VCF-style: chr1-235791785-T-G. GRCh37 (hg19) VCF-style: chr1-235955085-T-G.
Other names: c.4457A>C, p.Glu1486Ala (NM_001301365.1); short protein forms E1486A.
Identifiers: ClinVar variation 4535026 (VCV004535026.6).

ClinVar aggregate classification (germline): Uncertain significance (1 of 4 stars; one submission).

Submission:

CeGaT Center for Human Genetics Tuebingen
Classification: Uncertain significance. Last evaluated: 2025-10-01. Review status: criteria provided, single submitter. Criteria: CeGaT Center For Human Genetics Tuebingen Variant Classification Criteria Version 2. Collection method: clinical testing. Allele origin: germline. Affected: yes. Observed: 1 variant allele.
Comment: LYST: PM2, BP4